The following is an entry in ClinVar:

NM_005908.4(MANBA):c.*161C>T

Gene: MANBA (mannosidase beta; minus strand). Cytogenetic location: 4q24.
Variant type: single nucleotide variant.
Coding change: c.*161C>T on transcript NM_005908.4 (MANE Select); 161 bases downstream of the stop codon, C replaced by T.
Molecular consequence: 3 prime UTR variant.
Genome position (GRCh38, 1-based): chr4:102,631,896, G>A on the plus strand (C>T on the coding strand, the complement: MANBA is on the minus strand). VCF-style: chr4-102631896-G-A. GRCh37 (hg19) VCF-style: chr4-103553053-G-A.
Identifiers: ClinVar variation 347074 (VCV000347074.8), dbSNP rs1054029, ClinGen allele CA10619814.
Genomic context (GRCh38, chr4:102,631,896, plus strand): 5'-AGGACACCCCGGCACAGGCTTGTTTGAGGACATTGCCTGGGTAAACAGCCTCCCCTGAAA[G>A]TGTTCAGTGTACAACTCTTCACAGAGCAATCGCTCAAATGCGTGGCAGCACGCAGACATG-3'

ClinVar aggregate classification (germline): Benign. Review status: criteria provided, multiple submitters, no conflicts (2 of 4 stars). 3 submissions from 3 submitters: Benign (3). Last evaluated 2018-06-19.

Conditions:
Beta-D-mannosidosis (MANSB). Also called: LYSOSOMAL BETA-MANNOSIDASE DEFICIENCY; Beta-Mannosidosis; MANNOSIDOSIS, BETA A, LYSOSOMAL; BETA-MANNOSIDASE DEFICIENCY. Identifiers: Orphanet 118, MedGen C4048196, MONDO:0009562, OMIM 248510.

Allele frequency attached by ClinVar (database versions not stated): gnomAD exomes 0.51610; gnomAD 0.54921 and 0.55296; 1000 Genomes Project 30x 0.56027; 1000 Genomes Project 0.55032; TOPMed 0.56662.
gnomAD v4.1: 364,797 of 695,908 alleles (52%); highest among the groups gnomAD compares: Admixed American, 67%; 97,481 homozygotes.

Submissions (3):

GeneDx
Classification: Benign. Last evaluated: 2018-06-19. Review status: criteria provided, single submitter. Criteria: GeneDx Variant Classification Process June 2021. Collection method: clinical testing. Allele origin: germline. Affected: yes.

Illumina Laboratory Services, Illumina
Classification: Benign for Beta-D-mannosidosis. Last evaluated: 2018-01-13. Review status: criteria provided, single submitter. Criteria: ICSL Variant Classification Criteria 13 December 2019. Collection method: clinical testing. Allele origin: germline.
Comment: This variant was observed in the ICSL laboratory as part of a predisposition screen in an ostensibly healthy population. It had not been previously curated by ICSL or reported in the Human Gene Mutation Database (HGMD: prior to June 1st, 2018), and was therefore a candidate for classification through an automated scoring system. Utilizing variant allele frequency, disease prevalence and penetrance estimates, and inheritance mode, an automated score was calculated to assess if this variant is too frequent to cause the disease. Based on the score and internal cut-off values, a variant classified as benign is not then subjected to further curation. The score for this variant resulted in a classification of benign for this disease.

Breakthrough Genomics
Classification: Benign. Review status: criteria provided, single submitter. Criteria: ACMG Guidelines, 2015. Collection method: not provided. Allele origin: germline. Inheritance: Autosomal recessive inheritance. Affected: yes.